The following is an entry in ClinVar:

ClinVar aggregate classification (germline): Uncertain significance (1 of 4 stars; one submission).

Allele frequency attached by ClinVar (database versions not stated): gnomAD exomes below 0.00001.
gnomAD v4.1: 2 of 1,603,402 alleles (0.00012%); highest among the groups gnomAD compares: Admixed American, 0.0035%; no homozygotes.

Submission:

Labcorp Genetics (formerly Invitae), Labcorp
Classification: Uncertain significance. Last evaluated: 2020-06-24. Review status: criteria provided, single submitter. Criteria: Invitae Variant Classification Sherloc (09022015). Collection method: clinical testing. Allele origin: germline.
Comment: This sequence change replaces threonine with proline at codon 555 of the PROM1 protein (p.Thr555Pro). The threonine residue is highly conserved and there is a small physicochemical difference between threonine and proline. Algorithms developed to predict the effect of missense changes on protein structure and function are either unavailable or do not agree on the potential impact of this missense change (SIFT: "Deleterious"; PolyPhen-2: "Probably Damaging"; Align-GVGD: "Class C0"). This variant is present in population databases (rs767236230, ExAC 0.01%). This variant has not been reported in the literature in individuals with PROM1-related conditions. In summary, the available evidence is currently insufficient to determine the role of this variant in disease. Therefore, it has been classified as a Variant of Uncertain Significance.

NM_006017.3(PROM1):c.1663A>C (p.Thr555Pro)

Gene: PROM1 (prominin 1; minus strand). Cytogenetic location: 4p15.32.
Variant type: single nucleotide variant.
Coding change: c.1663A>C on transcript NM_006017.3 (MANE Select); coding-DNA position 1663, A replaced by C.
Protein change: p.Thr555Pro; replaces threonine 555 with proline.
Molecular consequence: missense variant.
Genome position (GRCh38, 1-based): chr4:15,998,404, T>G on the plus strand (A>C on the coding strand, the complement: PROM1 is on the minus strand). VCF-style: chr4-15998404-T-G. GRCh37 (hg19) VCF-style: chr4-16000027-T-G.
Other names: c.1636A>C, p.Thr546Pro (NM_001145847.2, NM_001145848.2, NM_001145851.2 and 4 more transcripts); c.1663A>C, p.Thr555Pro (NM_001145849.2, NM_001145850.2); short protein forms T546P, T555P.
Identifiers: ClinVar variation 1002160 (VCV001002160.8), dbSNP rs767236230, ClinGen allele CA2866694.
Genomic context (GRCh38, chr4:15,998,404, plus strand): 5'-AACATCTTAAATAGCGAAATGTATAATGCAAATATTGATACCTGTAAACTTGTTCAAAAG[T>G]GAGCTTCATTTTTGATTTATTAAATAGCTTCCCAGAGAGATAGTATTCCCAGTCTTCATT-3'
Protein context (NP_006008.1, residues 545-565): KLFNKSKMKL[Thr555Pro]FEQVYSDCKK